The following is an entry in ClinVar:

ClinVar aggregate classification (germline): Pathogenic/Likely pathogenic. Review status: criteria provided, multiple submitters, no conflicts (2 of 4 stars). 3 submissions from 3 submitters: Pathogenic (1); Likely pathogenic (2). Last evaluated 2024-06-12.

Conditions:
Familial melanoma. Also called: Hereditary melanoma; Hereditary cutaneous melanoma. Identifiers: Orphanet 618, MedGen C1512419, MONDO:0018961.
Hereditary cancer-predisposing syndrome. Also called: Neoplastic Syndromes, Hereditary; Hereditary Cancer Syndrome; Tumor predisposition; Hereditary neoplastic syndrome. Identifiers: Orphanet 140162, MedGen C0027672, MeSH D009386, MONDO:0015356.

Submissions (3):

Labcorp Genetics (formerly Invitae), Labcorp
Classification: Pathogenic for Familial melanoma. Last evaluated: 2024-06-12. Review status: criteria provided, single submitter. Criteria: Invitae Variant Classification Sherloc (09022015). Collection method: clinical testing. Allele origin: germline.
Comment: The CDKN2A gene encodes two different proteins, p16INK4a and p14ARF, which are translated from alternative transcripts with different open reading frames. Both transcripts have been analyzed. We report either the variant with the higher classification or default to the CDKN2A (p16INK4a) variant. This report therefore includes the details for the CDKN2A (p16INK4a) variant. This sequence change creates a premature translational stop signal (p.Pro114Argfs*27) in the CDKN2A (p16INK4a) gene. While this is not anticipated to result in nonsense mediated decay, it is expected to disrupt the last 43 amino acid(s) of the CDKN2A (p16INK4a) protein. This variant is not present in population databases (gnomAD no frequency). This premature translational stop signal has been observed in individual(s) with pancreatic cancer (PMID: 29506128). This variant is also known as c.383_398del (p.Ala128Glufs*39) in the CDKN2A (p14ARF) transcript. ClinVar contains an entry for this variant (Variation ID: 463500). This variant disrupts a region of the CDKN2A (p16INK4a) protein in which other variant(s) (p.Val126Asp) have been determined to be pathogenic (PMID: 9439668, 20539244, 20653773, 25780468, 26681309). This suggests that this is a clinically significant region of the protein, and that variants that disrupt it are likely to be disease-causing. For these reasons, this variant has been classified as Pathogenic. While the evidence indicates that this variant confers risk of developing CDKN2A (p16INK4a)-associated conditions, its association with risk for developing CDKN2A (p14ARF)-associated conditions is still unclear.

Color Diagnostics, LLC DBA Color Health
Classification: Likely pathogenic for Hereditary cancer-predisposing syndrome. Last evaluated: 2022-01-31. Review status: criteria provided, single submitter. Criteria: ACMG Guidelines, 2015. Collection method: clinical testing. Allele origin: germline.
Comment: The CDKN2A locus encodes two different gene products, p16INK4a and p14ARF. This variant deletes 16 nucleotides in exon 2 of the CDKN2A (p16INK4A) gene, creating a frameshift and premature translation stop signal in exon 2. This variant is expected to result in the expression of a truncated protein with the sequence of the C-terminal region, including functionally important ankyrin repeat 4, disrupted (PMID: 8880901). Although functional studies have not been reported, this variant is expected to impair CDKN2A (p16INK4A) protein function. This variant has been reported in an individual affected with exocrine pancreatic cancer (PMID: 29506128). This variant has not been identified in the general population by the Genome Aggregation Database (gnomAD). Other truncation variants impacting ankyrin repeat 4 are known to be pathogenic, which include c.358del (p.Glu120Serfs*26, ClinVar variation ID: 406710) and c.457G>T (p.Asp153Tyr; splice variant causing r.384_457del; p.Tyr129Hisfs*11) (ClinVar variation ID: 216035). Loss of CDKN2A function is a known mechanism of disease. Based on the available evidence, this variant is classified as Likely Pathogenic.

Ambry Genetics
Classification: Likely pathogenic for Hereditary cancer-predisposing syndrome. Last evaluated: 2021-07-27. Review status: criteria provided, single submitter. Criteria: Ambry Variant Classification Scheme 2023. Collection method: clinical testing. Allele origin: germline.
Comment: The c.340_355del16 variant, located in coding exon 2 of the CDKN2A gene, results from a deletion of 16 nucleotides at nucleotide positions 340 to 355, causing a translational frameshift with a predicted alternate stop codon (p.P114Rfs*27). This alteration occurs at the 3' terminus of theCDKN2A gene, is not expected to trigger nonsense-mediated mRNA decay, and only impacts the last 43 amino acids of the protein. However, premature stop codons are typically deleterious in nature and the impacted region is critical for protein function (Ambry internal data). Multiple downstream truncations in CDKN2A have been reported in families with cutaneous malignant melanoma and/or pancreatic cancers (De Unamuno B et al. Melanoma Res, 2018 06;28:246-249; Puig S et al. Hum Genet, 1997 Dec;101:359-64; Ruiz A et al. J Med Genet 1999 Jun;36:490-3; Potrony M et al J Am Acad Dermatol, 2014 Nov;71(5):888-95). This variant has been reported in a cohort of unselected patients with exocrine pancreatic neoplasms (Lowery MA et al. J Natl Cancer Inst, 2018 10;110:1067-1074). In addition to the clinical data presented in the literature, based on the majority of available evidence to date, this variant is likely to be pathogenic.

Literature cited by the submitters: PubMed 29506128 (cited by 3 submitters); PubMed 9439668 (cited by Labcorp Genetics (formerly Invitae), Labcorp); PubMed 20539244 (cited by Labcorp Genetics (formerly Invitae), Labcorp); PubMed 20653773 (cited by Labcorp Genetics (formerly Invitae), Labcorp); PubMed 25780468 (cited by Labcorp Genetics (formerly Invitae), Labcorp); PubMed 26681309 (cited by Labcorp Genetics (formerly Invitae), Labcorp); PubMed 8880901 (cited by Color Diagnostics, LLC DBA Color Health).

NM_000077.5(CDKN2A):c.340_355del (p.Pro114fs)

Gene: CDKN2A (cyclin dependent kinase inhibitor 2A; minus strand). Cytogenetic location: 9p21.3.
Variant type: Deletion.
Coding change: c.340_355del on transcript NM_000077.5; coding-DNA positions 340 to 355, 16 bases deleted (CCCGTGGACCTGGCTG).
Protein change: p.Pro114fs; shifts the reading frame from proline 114.
Molecular consequence: frameshift variant (on NM_000077.4). On other transcripts: 3 prime UTR variant (1).
Genome position (GRCh38, 1-based): chr9:21,971,004-21,971,019, CAGCCAGGTCCACGGG deleted on the plus strand (CCCGTGGACCTGGCTG on the coding strand, the reverse complement: CDKN2A is on the minus strand); deleting any 16 consecutive bases within chr9:21,971,004-21,971,022 gives the same sequence; the c. name uses the placement nearest the transcript's 3' end. VCF-style (leftmost placement, unchanged base first): chr9-21971003-TCAGCCAGGTCCACGGG-T. GRCh37 (hg19) VCF-style: chr9-21971002-TCAGCCAGGTCCACGGG-T.
Other names: c.340_355delCCCGTGGACCTGGCTG (NM_000077.4); c.337_352del16, p.Pro114Argfs (NM_000077.4, NM_000077.6); c.340_355del, p.Pro114fs (NM_001195132.2); c.187_202del, p.Pro63fs (NM_001363763.2); c.383_398del, p.Ala128fs (NM_058195.4); c.*263_*278del (NM_058197.5); short protein forms P114fs, P63fs, A128fs.
Identifiers: ClinVar variation 463500 (VCV000463500.13), dbSNP rs1554653956, ClinGen allele CA658656026.
Genomic context (GRCh38, chr9:21,971,003, plus strand): 5'-CCTCTGGTGCCCCCCGCAGCCGCGCGCAGGTACCGTGCGACATCGCGATGGCCCAGCTCC[TCAGCCAGGTCCACGGG>T]CAGACGGCCCCAGGCATCGCGCACGTCCAGCCGCGCCCCGGCCCGGTGCAGCACCACCAG-3'